The following is an entry in ClinVar:

NM_006164.5(NFE2L2):c.383C>A (p.Pro128Gln)

Gene: NFE2L2 (NFE2 like bZIP transcription factor 2; minus strand). Cytogenetic location: 2q31.2.
Variant type: single nucleotide variant.
Coding change: c.383C>A on transcript NM_006164.5 (MANE Select); coding-DNA position 383, C replaced by A.
Protein change: p.Pro128Gln; replaces proline 128 with glutamine.
Molecular consequence: missense variant. On other transcripts: intron variant (1).
Genome position (GRCh38, 1-based): chr2:177,233,269, G>T on the plus strand (C>A on the coding strand, the complement: NFE2L2 is on the minus strand). VCF-style: chr2-177233269-G-T. GRCh37 (hg19) VCF-style: chr2-178097997-G-T.
Other names: c.335C>A, p.Pro112Gln (NM_001145412.3, NM_001145413.3, NM_001313900.1 and 1 more transcripts); c.164C>A, p.Pro55Gln (NM_001313903.2); c.83C>A, p.Pro28Gln (NM_001313904.1); c.313-686C>A (NM_001313902.2); short protein forms P112Q, P128Q, P28Q, P55Q.
Identifiers: ClinVar variation 3573869 (VCV003573869.1).
Genomic context (GRCh38, chr2:177,233,269, plus strand): 5'-TGATGGAGTTTTTCTATTAACCAGGTTATTTTATACCTCACCTCATTGTCATCTACAAAC[G>T]GGAATGTCTGCGCCAAAAGCTGCATGCAGTCATCAAAGTACAAAGCATCTGATTTGGGAA-3'
Protein context (NP_006155.2, residues 118-138): DCMQLLAQTF[Pro128Gln]FVDDNEVSSA

ClinVar aggregate classification (germline): Uncertain significance (1 of 4 stars; one submission).

Submission:

GeneDx
Classification: Uncertain significance. Last evaluated: 2024-07-18. Review status: criteria provided, single submitter. Criteria: GeneDx Variant Classification Process June 2021. Collection method: clinical testing. Allele origin: germline. Affected: yes.
Comment: Not observed at significant frequency in large population cohorts (gnomAD); In silico analysis supports that this missense variant has a deleterious effect on protein structure/function; Has not been previously published as pathogenic or benign to our knowledge